The following is an entry in ClinVar:

ClinVar aggregate classification (germline): Likely benign. Review status: criteria provided, multiple submitters, no conflicts (2 of 4 stars). 3 submissions from 3 submitters: Likely benign (3). Last evaluated 2025-11-01.

Allele frequency attached by ClinVar (database versions not stated): gnomAD 0.00137 and 0.00128; ESP Exome Variant Server 0.00191; ExAC 0.00218; gnomAD exomes 0.00229; 1000 Genomes Project 30x 0.00078; 1000 Genomes Project 0.00080; TOPMed 0.00080.
gnomAD v4.1: 2,322 of 1,614,158 alleles (0.14%); highest among the groups gnomAD compares: South Asian, 0.45%; 10 homozygotes.

Submissions (3):

CeGaT Center for Human Genetics Tuebingen
Classification: Likely benign. Last evaluated: 2025-11-01. Review status: criteria provided, single submitter. Criteria: CeGaT Center For Human Genetics Tuebingen Variant Classification Criteria Version 2. Collection method: clinical testing. Allele origin: germline. Affected: yes. Observed: 5 variant alleles.
Comment: DNAH7: BS2

Labcorp Genetics (formerly Invitae), Labcorp
Classification: Likely benign. Last evaluated: 2019-12-31. Review status: criteria provided, single submitter. Criteria: Invitae Variant Classification Sherloc (09022015). Collection method: clinical testing. Allele origin: germline.

Breakthrough Genomics
Classification: Likely benign. Review status: criteria provided, single submitter. Criteria: ACMG Guidelines, 2015. Collection method: not provided. Allele origin: germline. Inheritance: Unknown mechanism. Affected: yes.

NM_018897.3(DNAH7):c.10697T>C (p.Phe3566Ser)

Gene: DNAH7 (dynein axonemal heavy chain 7; minus strand). Cytogenetic location: 2q32.3.
Variant type: single nucleotide variant.
Coding change: c.10697T>C on transcript NM_018897.3 (MANE Select); coding-DNA position 10697, T replaced by C.
Protein change: p.Phe3566Ser; replaces phenylalanine 3566 with serine.
Molecular consequence: missense variant.
Genome position (GRCh38, 1-based): chr2:195,794,357, A>G on the plus strand (T>C on the coding strand, the complement: DNAH7 is on the minus strand). VCF-style: chr2-195794357-A-G. GRCh37 (hg19) VCF-style: chr2-196659081-A-G.
Other names: short protein forms F3566S.
Identifiers: ClinVar variation 723464 (VCV000723464.29), dbSNP rs111705343, ClinGen allele CA2033987.